The following is an entry in ClinVar:

ClinVar aggregate classification (germline): Conflicting classifications of pathogenicity. Review status: criteria provided, conflicting classifications (1 of 4 stars). 7 submissions from 7 submitters: Uncertain significance (5); Benign (1); Likely benign (1). Last evaluated 2025-02-27.

Conditions:
Hereditary pancreatitis (PCTT). Also called: Hereditary chronic pancreatitis; PRSS1-Related Hereditary Pancreatitis. Identifiers: Orphanet 676, MedGen C0238339, MONDO:0008185, OMIM 167800.

Allele frequency attached by ClinVar (database versions not stated): 1000 Genomes Project 30x 0.33807.

Submissions (7):

ARUP Laboratories, Molecular Genetics and Genomics, ARUP Laboratories
Classification: Uncertain significance for Hereditary pancreatitis. Last evaluated: 2025-02-27. Review status: criteria provided, single submitter. Criteria: ARUP Molecular Germline Variant Investigation Process 2024. Collection method: clinical testing. Allele origin: germline.
Comment: The PRSS1 c.40C>G; p.Leu14Val variant (rs747228052), to our knowledge, is not reported in the medical literature but is reported in ClinVar (Variation ID: 939930). This variant is found in the African/African-American population with an allele frequency of 3.95% (778/19,716 alleles) in the Genome Aggregation Database (v2.1.1), but is considered a low confidence variant in the database. Computational analyses are uncertain whether this variant is neutral or deleterious (REVEL: 0.221). Given this variantâ€™s location within the minimal splice region and its low confidence allele frequency, the clinical significance of this variant is uncertain at this time.

Neuberg Centre For Genomic Medicine, NCGM
Classification: Uncertain significance for Hereditary pancreatitis. Last evaluated: 2023-06-22. Review status: criteria provided, single submitter. Criteria: ACMG Guidelines, 2015. Collection method: clinical testing. Allele origin: germline. Inheritance: Autosomal dominant inheritance. Affected: yes.
Comment: The missense variant c.40C>G (p.Leu14Val) in the PRSS1 gene has not been reported previously as a pathogenic variant nor as a benign variant, to our knowledge. The frequency data for this variant in the population databases is considered unreliable, as metrics indicate poor data quality at this position in the gnomAD database. The amino acid Leu at position 14 is changed to a Val changing protein sequence and it might alter its composition and physico-chemical properties. Computational evidence (Polyphen-probably damaging, SIFT-damaging and Mutation Taster-disease causing) predicts conflicting evidence on protein structure and function for this variant. The amino acid change p.Leu14Val in PRSS1 is predicted as conserved by GERP++ and PhyloP across 100 vertebrates. For these reasons, this variant has been classified as Uncertain Significance.

Department of Pathology and Laboratory Medicine, Sinai Health System
Classification: Uncertain significance for Hereditary pancreatitis. Last evaluated: 2023-04-25. Review status: criteria provided, single submitter. Criteria: ACMG Guidelines, 2015. Collection method: research. Allele origin: germline.

Labcorp Genetics (formerly Invitae), Labcorp
Classification: Uncertain significance for Hereditary pancreatitis. Last evaluated: 2022-05-27. Review status: criteria provided, single submitter. Criteria: Invitae Variant Classification Sherloc (09022015). Collection method: clinical testing. Allele origin: germline.
Comment: The frequency data for this variant in the population databases is considered unreliable, as metrics indicate poor data quality at this position in the gnomAD database. This variant has not been reported in the literature in individuals affected with PRSS1-related conditions. ClinVar contains an entry for this variant (Variation ID: 939930). Algorithms developed to predict the effect of missense changes on protein structure and function output the following: SIFT: "Tolerated"; PolyPhen-2: "Benign"; Align-GVGD: "Class C0". The valine amino acid residue is found in multiple mammalian species, which suggests that this missense change does not adversely affect protein function. Algorithms developed to predict the effect of sequence changes on RNA splicing suggest that this variant may create or strengthen a splice site. In summary, the available evidence is currently insufficient to determine the role of this variant in disease. Therefore, it has been classified as a Variant of Uncertain Significance. This sequence change replaces leucine, which is neutral and non-polar, with valine, which is neutral and non-polar, at codon 14 of the PRSS1 protein (p.Leu14Val).

Ambry Genetics
Classification: Likely benign for Hereditary pancreatitis. Last evaluated: 2022-04-21. Review status: criteria provided, single submitter. Criteria: Ambry Variant Classification Scheme 2023. Collection method: clinical testing. Allele origin: germline.

Sema4
Classification: Benign for Hereditary pancreatitis. Last evaluated: 2021-02-11. Review status: criteria provided, single submitter. Criteria: Sema4 Curation Guidelines. Collection method: curation. Allele origin: germline.

Breakthrough Genomics
Classification: Uncertain significance. Review status: criteria provided, single submitter. Criteria: ACMG Guidelines, 2015. Collection method: not provided. Allele origin: germline. Inheritance: Autosomal recessive inheritance. Affected: yes.

NM_002769.5(PRSS1):c.40C>G (p.Leu14Val)

Genes: TRB (T cell receptor beta locus; plus strand), PRSS1 (serine protease 1; plus strand). Cytogenetic location: 7q34.
Variant type: single nucleotide variant.
Coding change: c.40C>G on transcript NM_002769.5 (MANE Select); coding-DNA position 40, C replaced by G.
Protein change: p.Leu14Val; replaces leucine 14 with valine.
Molecular consequence: missense variant.
Genome position (GRCh38, 1-based): chr7:142,749,524, C>G. VCF-style: chr7-142749524-C-G. GRCh37 (hg19) VCF-style: chr7-142457375-C-G.
Other names: short protein forms L14V.
Identifiers: ClinVar variation 939930 (VCV000939930.17), dbSNP rs747228052, ClinGen allele CA4529593.